The following is an entry in ClinVar:

NM_000059.4(BRCA2):c.3772A>C (p.Ile1258Leu)

Gene: BRCA2 (BRCA2 DNA repair associated; plus strand). Cytogenetic location: 13q13.1.
Variant type: single nucleotide variant.
Coding change: c.3772A>C on transcript NM_000059.4 (MANE Select); coding-DNA position 3772, A replaced by C.
Protein change: p.Ile1258Leu; replaces isoleucine 1258 with leucine.
Molecular consequence: missense variant. On other transcripts: non-coding transcript variant (1), intron variant (2).
Genome position (GRCh38, 1-based): chr13:32,338,127, A>C. VCF-style: chr13-32338127-A-C. GRCh37 (hg19) VCF-style: chr13-32912264-A-C.
Other names: c.3772A>C, p.Ile1258Leu (NM_001406719.1, NM_001406720.1, NM_001432077.1); c.1909+4740A>C (NM_001406721.1); c.425-6431A>C (NM_001406722.1); short protein forms I1258L.
Identifiers: ClinVar variation 4628898 (VCV004628898.1).

ClinVar aggregate classification (germline): Uncertain significance (1 of 4 stars; one submission).

Conditions:
Hereditary cancer-predisposing syndrome. Also called: Neoplastic Syndromes, Hereditary; Tumor predisposition; Hereditary Cancer Syndrome; Hereditary neoplastic syndrome. Identifiers: Orphanet 140162, MedGen C0027672, MeSH D009386, MONDO:0015356.

Submission:

Ambry Genetics
Classification: Uncertain significance for Hereditary cancer-predisposing syndrome. Last evaluated: 2025-10-16. Review status: criteria provided, single submitter. Criteria: Ambry Variant Classification Scheme 2023. Collection method: clinical testing. Allele origin: germline.
Comment: The p.I1258L variant (also known as c.3772A>C), located in coding exon 10 of the BRCA2 gene, results from an A to C substitution at nucleotide position 3772. The isoleucine at codon 1258 is replaced by leucine, an amino acid with highly similar properties. This amino acid position is conserved. In addition, this alteration is predicted to be tolerated by in silico analysis. Based on the available evidence, the clinical significance of this variant remains unclear.